The following is an entry in ClinVar:

ClinVar aggregate classification (germline): Likely benign (1 of 4 stars; one submission).

Conditions:
BBIP1-related disorder. Also called: BBIP1-related condition.

gnomAD v4.1: 2 of 699,872 alleles (0.00029%); highest among the groups gnomAD compares: Non-Finnish European, 0.00052%; no homozygotes.

Submission:

PreventionGenetics, part of Exact Sciences
Classification: Likely benign for BBIP1-related condition. Last evaluated: 2026-08-06. Review status: criteria provided, single submitter. Criteria: ACMG Guidelines, 2015. Collection method: clinical testing. Allele origin: germline.
Comment: This variant is classified as likely benign based on ACMG/AMP sequence variant interpretation guidelines (Richards et al. 2015 PMID: 25741868, with internal and published modifications).

NM_001195305.3(BBIP1):c.38-6100G>A

Gene: BBIP1 (BBSome interacting protein 1; minus strand). Cytogenetic location: 10q25.2.
Variant type: single nucleotide variant.
Coding change: c.38-6100G>A on transcript NM_001195305.3 (MANE Select); 6100 bases into the intron before coding-DNA position 38, G replaced by A.
Molecular consequence: intron variant. On other transcripts: synonymous variant (1).
Genome position (GRCh38, 1-based): chr10:110,907,712, C>T on the plus strand (G>A on the coding strand, the complement: BBIP1 is on the minus strand). VCF-style: chr10-110907712-C-T. GRCh37 (hg19) VCF-style: chr10-112667470-C-T.
Other names: c.162G>A, p.Leu54= (NM_001195304.2); c.38-6100G>A (NM_001195306.2); c.-29-6100G>A (NM_001243783.3); c.38-7186G>A (NM_001195307.2).
Identifiers: ClinVar variation 4986924 (VCV004986924.1).